The following is an entry in ClinVar:

NM_138554.5(TLR4):c.277A>G (p.Ile93Val)

Gene: TLR4 (toll like receptor 4; plus strand). Cytogenetic location: 9q33.1.
Variant type: single nucleotide variant.
Coding change: c.277A>G on transcript NM_138554.5 (MANE Select); coding-DNA position 277, A replaced by G.
Protein change: p.Ile93Val; replaces isoleucine 93 with valine.
Molecular consequence: missense variant. On other transcripts: 5 prime UTR variant (1).
Genome position (GRCh38, 1-based): chr9:117,712,405, A>G. VCF-style: chr9-117712405-A-G. GRCh37 (hg19) VCF-style: chr9-120474683-A-G.
Other names: c.157A>G, p.Ile53Val (NM_003266.4); c.-324A>G (NM_138557.3); short protein forms I53V, I93V.
Identifiers: ClinVar variation 3048219 (VCV003048219.2), dbSNP rs56302444, ClinGen allele CA5212196.

ClinVar aggregate classification (germline): Likely benign (0 of 4 stars; one submission).

Conditions:
TLR4-related disorder. Also called: TLR4-related condition.

Allele frequency attached by ClinVar (database versions not stated): gnomAD 0.00011; TOPMed 0.00012; gnomAD exomes 0.00017; 1000 Genomes Project 30x 0.00047; ExAC 0.00050; 1000 Genomes Project 0.00060.
gnomAD v4.1: 264 of 1,613,864 alleles (0.016%); highest among the groups gnomAD compares: South Asian, 0.19%; 4 homozygotes.

Submission:

PreventionGenetics, part of Exact Sciences
Classification: Likely benign for TLR4-related condition. Last evaluated: 2023-02-16. Review status: no assertion criteria provided. Collection method: clinical testing. Allele origin: germline.
Comment: This variant is classified as likely benign based on ACMG/AMP sequence variant interpretation guidelines (Richards et al. 2015 PMID: 25741868, with internal and published modifications).